The following is an entry in ClinVar:

NM_013382.7(POMT2):c.655A>G (p.Arg219Gly)

Gene: POMT2 (protein O-mannosyltransferase 2; minus strand). Cytogenetic location: 14q24.3.
Variant type: single nucleotide variant.
Coding change: c.655A>G on transcript NM_013382.7 (MANE Select); coding-DNA position 655, A replaced by G.
Protein change: p.Arg219Gly; replaces arginine 219 with glycine.
Molecular consequence: missense variant.
Genome position (GRCh38, 1-based): chr14:77,302,836, T>C on the plus strand (A>G on the coding strand, the complement: POMT2 is on the minus strand). VCF-style: chr14-77302836-T-C. GRCh37 (hg19) VCF-style: chr14-77769179-T-C.
Other names: short protein forms R219G.
Identifiers: ClinVar variation 2934969 (VCV002934969.3), dbSNP rs2503285544, ClinGen allele CA390520424.

ClinVar aggregate classification (germline): Uncertain significance (1 of 4 stars; one submission).

Conditions:
Muscular dystrophy-dystroglycanopathy (congenital with impaired intellectual development), type B, 2. Also called: MUSCULAR DYSTROPHY, CONGENITAL, POMT2-RELATED; Muscular dystrophy-dystroglycanopathy (congenital with intellectual disability), type B2. Identifiers: MedGen C3150416, MONDO:0013160, OMIM 613156.
Muscular dystrophy-dystroglycanopathy (congenital with brain and eye anomalies), type A2. Also called: MUSCULAR DYSTROPHY-DYSTROGLYCANOPATHY (CONGENITAL WITH BRAIN AND EYE ANOMALIES), TYPE A, 2; WALKER-WARBURG SYNDROME OR MUSCLE-EYE-BRAIN DISEASE, POMT2-RELATED. Identifiers: Orphanet 588, Orphanet 899, MedGen C3150411, MONDO:0013154, OMIM 613150.
Autosomal recessive limb-girdle muscular dystrophy type 2N. Also called: MUSCULAR DYSTROPHY-DYSTROGLYCANOPATHY, LIMB-GIRDLE, POMT2-RELATED; Muscular dystrophy-dystroglycanopathy (limb-girdle), type C, 2. Identifiers: Orphanet 206559, MedGen C3150418, MONDO:0013162, OMIM 613158.

Allele frequency attached by ClinVar (database versions not stated): gnomAD exomes below 0.00001.

Submission:

Labcorp Genetics (formerly Invitae), Labcorp
Classification: Uncertain significance for Muscular dystrophy-dystroglycanopathy (congenital with impaired intellectual development), type B, 2; Muscular dystrophy-dystroglycanopathy (congenital with brain and eye anomalies), type A2; Autosomal recessive limb-girdle muscular dystrophy type 2N. Last evaluated: 2023-08-03. Review status: criteria provided, single submitter. Criteria: Invitae Variant Classification Sherloc (09022015). Collection method: clinical testing. Allele origin: germline.
Comment: This sequence change replaces arginine, which is basic and polar, with glycine, which is neutral and non-polar, at codon 219 of the POMT2 protein (p.Arg219Gly). This variant is not present in population databases (gnomAD no frequency). This variant has not been reported in the literature in individuals affected with POMT2-related conditions. An algorithm developed to predict the effect of missense changes on protein structure and function (PolyPhen-2) suggests that this variant is likely to be tolerated. Algorithms developed to predict the effect of sequence changes on RNA splicing suggest that this variant may disrupt the consensus splice site. In summary, the available evidence is currently insufficient to determine the role of this variant in disease. Therefore, it has been classified as a Variant of Uncertain Significance.